The following is an entry in ClinVar:

ClinVar aggregate classification (germline): Benign. Review status: criteria provided, multiple submitters, no conflicts (2 of 4 stars). 2 submissions from 2 submitters: Benign (2). Last evaluated 2018-06-14.

Allele frequency attached by ClinVar (database versions not stated): gnomAD 0.68443 and 0.69226; gnomAD exomes 0.70163 and 0.75060; 1000 Genomes Project 30x 0.74469; 1000 Genomes Project 0.75180; TOPMed 0.68434; ExAC 0.76642.

Submissions (2):

GeneDx
Classification: Benign. Last evaluated: 2018-06-14. Review status: criteria provided, single submitter. Criteria: GeneDx Variant Classification (06012015). Collection method: clinical testing. Allele origin: germline. Affected: yes.
Comment: This variant is considered likely benign or benign based on one or more of the following criteria: it is a conservative change, it occurs at a poorly conserved position in the protein, it is predicted to be benign by multiple in silico algorithms, and/or has population frequency not consistent with disease.

Breakthrough Genomics
Classification: Benign. Review status: criteria provided, single submitter. Criteria: ACMG Guidelines, 2015. Collection method: not provided. Allele origin: germline. Inheritance: Unknown mechanism. Affected: yes.

NM_001085372.2(UQCC3):c.-399G>T

Genes: UQCC3 (ubiquinol-cytochrome c reductase complex assembly factor 3; plus strand), LBHD1 (LBH domain containing 1; minus strand). Cytogenetic location: 11q12.3.
Variant type: single nucleotide variant.
Coding change: c.-399G>T on transcript NM_001085372.2; 399 bases upstream of the start codon, G replaced by T.
Molecular consequence: intron variant (on NM_024099.5). On other transcripts: 5 prime UTR variant (4), missense variant (2).
Genome position (GRCh38, 1-based): chr11:62,671,347, G>T. VCF-style: chr11-62671347-G-T. GRCh37 (hg19) VCF-style: chr11-62438819-G-T.
Other names: c.-311C>A (NM_001367941.2); c.401C>A, p.Ala134Glu (NM_001394599.1, NM_001394601.1); c.-17C>A (NM_001394604.1, NM_001394607.1); c.-242C>A (NM_001394612.1); c.184+217C>A (NM_001394606.1, NM_001394596.1); c.-11+217C>A (NM_024099.5, NM_001367940.2); c.-135+217C>A (NM_001394611.1); c.-204+217C>A (NM_001394609.1); short protein forms A134E.
Identifiers: ClinVar variation 684317 (VCV000684317.4), dbSNP rs693698, ClinGen allele CA6052503.